The following is an entry in ClinVar:

NM_001260.3(CDK8):c.215A>C (p.Glu72Ala)

Gene: CDK8 (cyclin dependent kinase 8; plus strand). Cytogenetic location: 13q12.13.
Variant type: single nucleotide variant.
Coding change: c.215A>C on transcript NM_001260.3 (MANE Select); coding-DNA position 215, A replaced by C.
Protein change: p.Glu72Ala; replaces glutamic acid 72 with alanine.
Molecular consequence: missense variant. On other transcripts: 5 prime UTR variant (1).
Genome position (GRCh38, 1-based): chr13:26,349,082, A>C. VCF-style: chr13-26349082-A-C. GRCh37 (hg19) VCF-style: chr13-26923219-A-C.
Other names: c.215A>C, p.Glu72Ala (NM_001318368.2); c.-247A>C (NM_001346501.2); short protein forms E72A.
Identifiers: ClinVar variation 3999701 (VCV003999701.2).

ClinVar aggregate classification (germline): Uncertain significance (1 of 4 stars; one submission).

Conditions:
Inborn genetic diseases. Identifiers: MedGen C0950123, MeSH D030342.

Submission:

Ambry Genetics
Classification: Uncertain significance for Inborn genetic diseases. Last evaluated: 2025-07-28. Review status: criteria provided, single submitter. Criteria: Ambry Variant Classification Scheme 2023. Collection method: clinical testing. Allele origin: germline.
Comment: The c.215A>C (p.E72A) alteration is located in exon 3 (coding exon 3) of the CDK8 gene. This alteration results from a A to C substitution at nucleotide position 215, causing the glutamic acid (E) at amino acid position 72 to be replaced by an alanine (A). This variant was not reported in population-based cohorts in the Genome Aggregation Database (gnomAD). This amino acid position is highly conserved in available vertebrate species. This missense alteration is located in a region that has a low rate of benign missense variation (Lek, 2016; Firth, 2009). This alteration is predicted to be deleterious by in silico analysis. Based on insufficient or conflicting evidence, the clinical significance of this alteration remains unclear.